The following is an entry in ClinVar:

NM_014283.5(SUCO):c.2398A>C (p.Asn800His)

Gene: SUCO (SUN domain containing ossification factor; plus strand). Cytogenetic location: 1q24.3.
Variant type: single nucleotide variant.
Coding change: c.2398A>C on transcript NM_014283.5 (MANE Select); coding-DNA position 2398, A replaced by C.
Protein change: p.Asn800His; replaces asparagine 800 with histidine.
Molecular consequence: missense variant. On other transcripts: intron variant (1).
Genome position (GRCh38, 1-based): chr1:172,589,499, A>C. VCF-style: chr1-172589499-A-C. GRCh37 (hg19) VCF-style: chr1-172558639-A-C.
Other names: c.709A>C, p.Asn237His (NM_001282751.2); c.2851A>C, p.Asn951His (NM_016227.4); c.1712+575A>C (NM_001282750.2); short protein forms N951H, N237H, N800H.
Identifiers: ClinVar variation 3725426 (VCV003725426.2).
Genomic context (GRCh38, chr1:172,589,499, plus strand): 5'-AAGTCTGAGAGCTTTAGTTCTATAGAGAAACCATCTATTACCTATGAAACAAATAAAGTT[A>C]ATGAGTTAATGGATAATATTATAAAAGAAGATGTGAACTCCATGCAAATTTTCACAAAGC-3'
Protein context (NP_055098.1, residues 790-810): PSITYETNKV[Asn800His]ELMDNIIKED

ClinVar aggregate classification (germline): Uncertain significance (1 of 4 stars; one submission).

Submission:

Labcorp Genetics (formerly Invitae), Labcorp
Classification: Uncertain significance. Last evaluated: 2025-04-05. Review status: criteria provided, single submitter. Criteria: Invitae Variant Classification Sherloc (09022015). Collection method: clinical testing. Allele origin: germline.
Comment: This sequence change replaces asparagine, which is neutral and polar, with histidine, which is basic and polar, at codon 800 of the SUCO protein (p.Asn800His). This variant is not present in population databases (gnomAD no frequency). This variant has not been reported in the literature in individuals affected with SUCO-related conditions. ClinVar contains an entry for this variant (Variation ID: 3725426). An algorithm developed to predict the effect of missense changes on protein structure and function (PolyPhen-2) suggests that this variant is likely to be tolerated. In summary, the available evidence is currently insufficient to determine the role of this variant in disease. Therefore, it has been classified as a Variant of Uncertain Significance.